The following is an entry in ClinVar:

ClinVar aggregate classification (germline): Uncertain significance. Review status: criteria provided, multiple submitters, no conflicts (2 of 4 stars). 2 submissions from 2 submitters: Uncertain significance (2). Last evaluated 2024-01-29.

Conditions:
Hereditary cancer-predisposing syndrome. Also called: Neoplastic Syndromes, Hereditary; Hereditary Cancer Syndrome; Tumor predisposition; Hereditary neoplastic syndrome. Identifiers: Orphanet 140162, MedGen C0027672, MeSH D009386, MONDO:0015356.

Submissions (2):

Color Diagnostics, LLC DBA Color Health
Classification: Uncertain significance for Hereditary cancer-predisposing syndrome. Last evaluated: 2024-01-29. Review status: criteria provided, single submitter. Criteria: ACMG Guidelines, 2015. Collection method: clinical testing. Allele origin: germline.
Comment: This missense variant replaces serine with glycine at codon 2754 of the APC protein. Computational prediction suggests that this variant may not impact protein structure and function (internally defined REVEL score threshold <= 0.5, PMID: 27666373). To our knowledge, functional studies have not been reported for this variant. This variant has not been reported in individuals affected with APC-related disorders in the literature. This variant has not been identified in the general population by the Genome Aggregation Database (gnomAD). The available evidence is insufficient to determine the role of this variant in disease conclusively. Therefore, this variant is classified as a Variant of Uncertain Significance.

GeneKor MSA
Classification: Uncertain significance for Hereditary cancer-predisposing syndrome. Last evaluated: 2018-08-01. Review status: criteria provided, single submitter. Criteria: ACMG Guidelines, 2015. Collection method: clinical testing. Allele origin: germline. Affected: yes.

NM_000038.6(APC):c.8260A>G (p.Ser2754Gly)

Gene: APC (APC regulator of Wnt signaling pathway; plus strand). Cytogenetic location: 5q22.2.
Variant type: single nucleotide variant.
Coding change: c.8260A>G on transcript NM_000038.6 (MANE Select); coding-DNA position 8260, A replaced by G.
Protein change: p.Ser2754Gly; replaces serine 2754 with glycine.
Molecular consequence: missense variant.
Genome position (GRCh38, 1-based): chr5:112,843,854, A>G. VCF-style: chr5-112843854-A-G. GRCh37 (hg19) VCF-style: chr5-112179551-A-G.
Other names: c.8260A>G, p.Ser2754Gly (NM_001127510.3, NM_001354895.2); c.8206A>G, p.Ser2736Gly (NM_001127511.3); c.8314A>G, p.Ser2772Gly (NM_001354896.2); c.8290A>G, p.Ser2764Gly (NM_001354897.2); c.8185A>G, p.Ser2729Gly (NM_001354898.2); c.8176A>G, p.Ser2726Gly (NM_001354899.2); c.8137A>G, p.Ser2713Gly (NM_001354900.2); c.8083A>G, p.Ser2695Gly (NM_001354901.2); and 5 more; short protein forms S2754G, S2736G, S2594G, S2653G, S2713G, S2726G, S2628G, S2663G.
Identifiers: ClinVar variation 584483 (VCV000584483.2), dbSNP rs1561621841, ClinGen allele CA16039257.
Genomic context (GRCh38, chr5:112,843,854, plus strand): 5'-AAAGGAACTGAGATAAAACCAGGACAAAATAATCCTGTCCCTGTATCAGAGACTAATGAA[A>G]GTTCTATAGTGGAACGTACCCCATTCAGTTCTAGCAGCTCAAGCAAACACAGTTCACCTA-3'
Protein context (NP_000029.2, residues 2744-2764): NPVPVSETNE[Ser2754Gly]SIVERTPFSS